The following is an entry in ClinVar:

NM_001379286.1(ZNF423):c.2106C>T (p.Cys702=)

Gene: ZNF423 (zinc finger protein 423; minus strand). Cytogenetic location: 16q12.1.
Variant type: single nucleotide variant.
Coding change: c.2106C>T on transcript NM_001379286.1 (MANE Select); coding-DNA position 2106, C replaced by T.
Protein change: p.Cys702=; no amino-acid change (cysteine 702 retained).
Molecular consequence: synonymous variant.
Genome position (GRCh38, 1-based): chr16:49,637,070, G>A on the plus strand (C>T on the coding strand, the complement: ZNF423 is on the minus strand). VCF-style: chr16-49637070-G-A. GRCh37 (hg19) VCF-style: chr16-49670981-G-A.
Other names: c.1902C>T, p.Cys634= (NM_001271620.2); c.1731C>T, p.Cys577= (NM_001330533.2); c.2082C>T, p.Cys694= (NM_015069.5); c.2082C>T (NM_015069.4).
Identifiers: ClinVar variation 473057 (VCV000473057.13), dbSNP rs760404444, ClinGen allele CA8046566.

ClinVar aggregate classification (germline): Likely benign. Review status: criteria provided, multiple submitters, no conflicts (2 of 4 stars). 3 submissions from 3 submitters: Likely benign (3). Last evaluated 2026-01-26.

Conditions:
ZNF423-related disorder. Also called: ZNF423-related condition.
Nephronophthisis 14 (NPHP14). Identifiers: Orphanet 2318, MedGen C3539071, MONDO:0013916, OMIM 614844.

Allele frequency attached by ClinVar (database versions not stated): gnomAD exomes 0.00005 and 0.00012; TOPMed 0.00005; ExAC 0.00008; gnomAD 0.00009 and 0.00011.
gnomAD v4.1: 192 of 1,613,654 alleles (0.012%); highest among the groups gnomAD compares: Non-Finnish European, 0.015%; no homozygotes.

Submissions (3):

Labcorp Genetics (formerly Invitae), Labcorp
Classification: Likely benign for Nephronophthisis 14. Last evaluated: 2026-01-26. Review status: criteria provided, single submitter. Criteria: Invitae Variant Classification Sherloc (09022015). Collection method: clinical testing. Allele origin: germline.

PreventionGenetics, part of Exact Sciences
Classification: Likely benign for ZNF423-related condition. Last evaluated: 2025-01-26. Review status: criteria provided, single submitter. Criteria: ACMG Guidelines, 2015. Collection method: clinical testing. Allele origin: germline.
Comment: This variant is classified as likely benign based on ACMG/AMP sequence variant interpretation guidelines (Richards et al. 2015 PMID: 25741868, with internal and published modifications).

Blueprint Genetics
Classification: Likely benign. Last evaluated: 2024-03-12. Review status: criteria provided, single submitter. Criteria: ACMG Guidelines, 2015. Collection method: clinical testing. Allele origin: germline.